The following is an entry in ClinVar:

ClinVar aggregate classification (germline): Uncertain significance. Review status: criteria provided, multiple submitters, no conflicts (2 of 4 stars). 3 submissions from 3 submitters: Uncertain significance (3). Last evaluated 2025-12-10.

Conditions:
Hereditary cancer-predisposing syndrome. Also called: Neoplastic Syndromes, Hereditary; Hereditary Cancer Syndrome; Hereditary neoplastic syndrome; Tumor predisposition. Identifiers: Orphanet 140162, MedGen C0027672, MeSH D009386, MONDO:0015356.
Familial cancer of breast. Also called: hereditary breast carcinoma; BREAST CANCER, FAMILIAL; Hereditary breast cancer. Identifiers: Orphanet 227535, MedGen C0346153, MONDO:0016419, OMIM 114480. Disease mechanism: loss of function.

Submissions (3):

Labcorp Genetics (formerly Invitae), Labcorp
Classification: Uncertain significance for Familial cancer of breast. Last evaluated: 2025-12-10. Review status: criteria provided, single submitter. Criteria: Invitae Variant Classification Sherloc (09022015). Collection method: clinical testing. Allele origin: germline.
Comment: This sequence change replaces threonine, which is neutral and polar, with alanine, which is neutral and non-polar, at codon 351 of the BARD1 protein (p.Thr351Ala). This variant is not present in population databases (gnomAD no frequency). This variant has not been reported in the literature in individuals affected with BARD1-related conditions. ClinVar contains an entry for this variant (Variation ID: 2107986). An algorithm developed to predict the effect of missense changes on protein structure and function outputs the following: PolyPhen-2: "Benign". The alanine amino acid residue is found in multiple mammalian species, which suggests that this missense change does not adversely affect protein function. In summary, the available evidence is currently insufficient to determine the role of this variant in disease. Therefore, it has been classified as a Variant of Uncertain Significance.

Ambry Genetics
Classification: Uncertain significance for Hereditary cancer-predisposing syndrome. Last evaluated: 2024-09-21. Review status: criteria provided, single submitter. Criteria: Ambry Variant Classification Scheme 2023. Collection method: clinical testing. Allele origin: germline.
Comment: The p.T351A variant (also known as c.1051A>G), located in coding exon 4 of the BARD1 gene, results from an A to G substitution at nucleotide position 1051. The threonine at codon 351 is replaced by alanine, an amino acid with similar properties. This amino acid position is conserved. In addition, this alteration is predicted to be tolerated by in silico analysis. Based on the available evidence, the clinical significance of this variant remains unclear.

Color Diagnostics, LLC DBA Color Health
Classification: Uncertain significance for Hereditary cancer-predisposing syndrome. Last evaluated: 2024-03-07. Review status: criteria provided, single submitter. Criteria: ACMG Guidelines, 2015. Collection method: clinical testing. Allele origin: germline.
Comment: This missense variant replaces threonine with alanine at codon 351 of the BARD1 protein. Computational prediction suggests that this variant may not impact protein structure and function (internally defined REVEL score threshold <= 0.5, PMID: 27666373). To our knowledge, functional studies have not been reported for this variant. This variant has not been reported in individuals affected with hereditary cancer in the literature. This variant has not been identified in the general population by the Genome Aggregation Database (gnomAD). The available evidence is insufficient to determine the role of this variant in disease conclusively. Therefore, this variant is classified as a Variant of Uncertain Significance.

NM_000465.4(BARD1):c.1051A>G (p.Thr351Ala)

Gene: BARD1 (BRCA1 associated RING domain 1; minus strand). Cytogenetic location: 2q35.
Variant type: single nucleotide variant.
Coding change: c.1051A>G on transcript NM_000465.4 (MANE Select); coding-DNA position 1051, A replaced by G.
Protein change: p.Thr351Ala; replaces threonine 351 with alanine.
Molecular consequence: missense variant. On other transcripts: non-coding transcript variant (2), intron variant (3).
Genome position (GRCh38, 1-based): chr2:214,780,823, T>C on the plus strand (A>G on the coding strand, the complement: BARD1 is on the minus strand). VCF-style: chr2-214780823-T-C. GRCh37 (hg19) VCF-style: chr2-215645547-T-C.
Other names: c.1051A>G (NM_000465.2); c.994A>G, p.Thr332Ala (NM_001282543.2); c.159-28268A>G (NM_001282548.2); c.215+16238A>G (NM_001282545.2); c.364+11474A>G (NM_001282549.2); short protein forms T351A, T332A.
Identifiers: ClinVar variation 2107986 (VCV002107986.7), dbSNP rs2469504508, ClinGen allele CA350454151.
Genomic context (GRCh38, chr2:214,780,823, plus strand): 5'-TACGTTTGCATGAAGGTGGTGAAGAACATTCAGGCAATGGTATATTTTCTGAGGGCACCG[T>C]TTGCTTAACAAAATCTCCACTGGTGCTCAGAATGCTGGTTCTACATCTCTTAGAAATGGG-3'
Protein context (NP_000456.2, residues 341-361): LSTSGDFVKQ[Thr351Ala]VPSENIPLPE